The following is an entry in ClinVar:

ClinVar aggregate classification (germline): Uncertain significance (1 of 4 stars; one submission).

Allele frequency attached by ClinVar (database versions not stated): gnomAD 0.00002; TOPMed 0.00003; gnomAD exomes 0.00004.
gnomAD v4.1: 56 of 1,602,588 alleles (0.0035%); highest among the groups gnomAD compares: Non-Finnish European, 0.0045%; no homozygotes.

Submission:

Labcorp Genetics (formerly Invitae), Labcorp
Classification: Uncertain significance. Last evaluated: 2023-11-24. Review status: criteria provided, single submitter. Criteria: Invitae Variant Classification Sherloc (09022015). Collection method: clinical testing. Allele origin: germline.
Comment: This sequence change replaces glutamic acid, which is acidic and polar, with lysine, which is basic and polar, at codon 119 of the RBBP8 protein (p.Glu119Lys). This variant is not present in population databases (gnomAD no frequency). This variant has not been reported in the literature in individuals affected with RBBP8-related conditions. Advanced modeling of protein sequence and biophysical properties (such as structural, functional, and spatial information, amino acid conservation, physicochemical variation, residue mobility, and thermodynamic stability) performed at Invitae indicates that this missense variant is expected to disrupt RBBP8 protein function with a positive predictive value of 80%. In summary, the available evidence is currently insufficient to determine the role of this variant in disease. Therefore, it has been classified as a Variant of Uncertain Significance.

NM_002894.3(RBBP8):c.355G>A (p.Glu119Lys)

Gene: RBBP8 (RB binding protein 8, endonuclease; plus strand). Cytogenetic location: 18q11.2.
Variant type: single nucleotide variant.
Coding change: c.355G>A on transcript NM_002894.3 (MANE Select); coding-DNA position 355, G replaced by A.
Protein change: p.Glu119Lys; replaces glutamic acid 119 with lysine.
Molecular consequence: missense variant.
Genome position (GRCh38, 1-based): chr18:22,968,912, G>A. VCF-style: chr18-22968912-G-A. GRCh37 (hg19) VCF-style: chr18-20548875-G-A.
Other names: c.355G>A, p.Glu119Lys (NM_203291.2, NM_203292.2); short protein forms E119K.
Identifiers: ClinVar variation 2918702 (VCV002918702.3), dbSNP rs1052345211, ClinGen allele CA297030440.